The following is an entry in ClinVar:

NM_014795.4(ZEB2):c.1511C>G (p.Thr504Ser)

Gene: ZEB2 (zinc finger E-box binding homeobox 2; minus strand). Cytogenetic location: 2q22.3.
Variant type: single nucleotide variant.
Coding change: c.1511C>G on transcript NM_014795.4 (MANE Select); coding-DNA position 1511, C replaced by G.
Protein change: p.Thr504Ser; replaces threonine 504 with serine.
Molecular consequence: missense variant.
Genome position (GRCh38, 1-based): chr2:144,399,676, G>C on the plus strand (C>G on the coding strand, the complement: ZEB2 is on the minus strand). VCF-style: chr2-144399676-G-C. GRCh37 (hg19) VCF-style: chr2-145157243-G-C.
Other names: c.1439C>G, p.Thr480Ser (NM_001171653.2); short protein forms T480S, T504S.
Identifiers: ClinVar variation 3603519 (VCV003603519.2).
Genomic context (GRCh38, chr2:144,399,676, plus strand): 5'-CTTTTAGTGGCACCATTATGACTCACTACCGGAAGACCGACAGGCGGAATATTAGGAGAA[G>C]TAACTCCTTGTTCCTCAGGTTGAGAGCATGGATCCTTCATGTGATAACCTTTCAACTTTG-3'
Protein context (NP_055610.1, residues 494-514): PCSQPEEQGV[Thr504Ser]SPNIPPVGLP

ClinVar aggregate classification (germline): Uncertain significance (1 of 4 stars; one submission).

Conditions:
Mowat-Wilson syndrome (MOWS). Also called: Classic Mowat-Wilson Syndrome. Identifiers: Orphanet 2152, MedGen C1856113, MONDO:0009341, OMIM 235730.

Submission:

Labcorp Genetics (formerly Invitae), Labcorp
Classification: Uncertain significance for Mowat-Wilson syndrome. Last evaluated: 2024-06-13. Review status: criteria provided, single submitter. Criteria: Invitae Variant Classification Sherloc (09022015). Collection method: clinical testing. Allele origin: germline.
Comment: This sequence change replaces threonine, which is neutral and polar, with serine, which is neutral and polar, at codon 504 of the ZEB2 protein (p.Thr504Ser). This variant is not present in population databases (gnomAD no frequency). This variant has not been reported in the literature in individuals affected with ZEB2-related conditions. Advanced modeling of protein sequence and biophysical properties (such as structural, functional, and spatial information, amino acid conservation, physicochemical variation, residue mobility, and thermodynamic stability) performed at Invitae indicates that this missense variant is not expected to disrupt ZEB2 protein function with a negative predictive value of 80%. In summary, the available evidence is currently insufficient to determine the role of this variant in disease. Therefore, it has been classified as a Variant of Uncertain Significance.